The following is an entry in ClinVar:

ClinVar aggregate classification (germline): Uncertain significance. Review status: criteria provided, multiple submitters, no conflicts (2 of 4 stars). 2 submissions from 2 submitters: Uncertain significance (2). Last evaluated 2024-11-05.

Allele frequency attached by ClinVar (database versions not stated): gnomAD 0.00002 and 0.00003; TOPMed 0.00002; ExAC 0.00003; gnomAD exomes 0.00003; ESP Exome Variant Server 0.00008.
gnomAD v4.1: 46 of 1,613,702 alleles (0.0029%); highest among the groups gnomAD compares: Non-Finnish European, 0.0037%; no homozygotes.

Submissions (2):

Blueprint Genetics
Classification: Uncertain significance. Last evaluated: 2024-11-05. Review status: criteria provided, single submitter. Criteria: ACMG Guidelines, 2015. Collection method: clinical testing. Allele origin: germline.

Labcorp Genetics (formerly Invitae), Labcorp
Classification: Uncertain significance. Last evaluated: 2021-08-28. Review status: criteria provided, single submitter. Criteria: Invitae Variant Classification Sherloc (09022015). Collection method: clinical testing. Allele origin: germline.
Comment: This sequence change replaces histidine with tyrosine at codon 473 of the RGS9 protein (p.His473Tyr). The histidine residue is moderately conserved and there is a moderate physicochemical difference between histidine and tyrosine. This variant is present in population databases (rs370685530, ExAC 0.009%). This variant has not been reported in the literature in individuals affected with RGS9-related conditions. Algorithms developed to predict the effect of missense changes on protein structure and function (SIFT, PolyPhen-2, Align-GVGD) all suggest that this variant is likely to be tolerated. In summary, the available evidence is currently insufficient to determine the role of this variant in disease. Therefore, it has been classified as a Variant of Uncertain Significance.

NM_003835.4(RGS9):c.1417C>T (p.His473Tyr)

Gene: RGS9 (regulator of G protein signaling 9; plus strand). Cytogenetic location: 17q24.1.
Variant type: single nucleotide variant.
Coding change: c.1417C>T on transcript NM_003835.4 (MANE Select); coding-DNA position 1417, C replaced by T.
Protein change: p.His473Tyr; replaces histidine 473 with tyrosine.
Molecular consequence: missense variant.
Genome position (GRCh38, 1-based): chr17:65,225,011, C>T. VCF-style: chr17-65225011-C-T. GRCh37 (hg19) VCF-style: chr17-63221129-C-T.
Other names: c.1408C>T, p.His470Tyr (NM_001081955.3); short protein forms H473Y, H470Y.
Identifiers: ClinVar variation 1381408 (VCV001381408.6), dbSNP rs370685530, ClinGen allele CA8718053.